The following is an entry in ClinVar:

NM_005909.5(MAP1B):c.5652AGA[1] (p.Glu1885del)

Gene: MAP1B (microtubule associated protein 1B; plus strand). Cytogenetic location: 5q13.2.
Variant type: Microsatellite.
Coding change: c.5652AGA[1] on transcript NM_005909.5 (MANE Select); one copy of the 3-base unit AGA starting at c.5652; the reference has two copies in a row; one copy, 3 bases deleted.
Protein change: p.Glu1885del; deletes glutamic acid 1885.
Genome position (GRCh38, 1-based): chr5:72,199,010-72,199,012, AGA deleted; deleting any 3 consecutive bases within chr5:72,199,005-72,199,012 gives the same sequence; the position shown is the placement nearest the transcript's 3' end. VCF-style (leftmost placement, unchanged base first): chr5-72199004-TGAA-T. GRCh37 (hg19) VCF-style: chr5-71494831-TGAA-T.
Other names: c.5274AGA[1], p.Glu1759del (NM_001324255.2); short protein forms E1759del, E1885del.
Identifiers: ClinVar variation 3364810 (VCV003364810.1).

ClinVar aggregate classification (germline): Uncertain significance (1 of 4 stars; one submission).

Submission:

GeneDx
Classification: Uncertain significance. Last evaluated: 2023-11-29. Review status: criteria provided, single submitter. Criteria: GeneDx Variant Classification Process June 2021. Collection method: clinical testing. Allele origin: germline. Affected: yes.
Comment: Not observed at significant frequency in large population cohorts (gnomAD); In-frame deletion of one amino acid in a non-repeat region; In silico analysis supports a deleterious effect on protein structure/function; Has not been previously published as pathogenic or benign to our knowledge